The following is an entry in ClinVar:

ClinVar aggregate classification (germline): Uncertain significance. Review status: criteria provided, multiple submitters, no conflicts (2 of 4 stars). 2 submissions from 2 submitters: Uncertain significance (2). Last evaluated 2022-07-22.

Allele frequency attached by ClinVar (database versions not stated): gnomAD exomes 0.00001.
gnomAD v4.1: 7 of 1,609,872 alleles (0.00043%); highest among the groups gnomAD compares: Non-Finnish European, 0.00059%; no homozygotes.

Submissions (2):

Labcorp Genetics (formerly Invitae), Labcorp
Classification: Uncertain significance. Last evaluated: 2022-07-22. Review status: criteria provided, single submitter. Criteria: Invitae Variant Classification Sherloc (09022015). Collection method: clinical testing. Allele origin: germline.
Comment: This sequence change replaces phenylalanine, which is neutral and non-polar, with cysteine, which is neutral and slightly polar, at codon 888 of the SLC12A2 protein (p.Phe888Cys). This variant is present in population databases (no rsID available, gnomAD 0.0009%). This variant has not been reported in the literature in individuals affected with SLC12A2-related conditions. Algorithms developed to predict the effect of missense changes on protein structure and function (SIFT, PolyPhen-2, Align-GVGD) all suggest that this variant is likely to be disruptive. In summary, the available evidence is currently insufficient to determine the role of this variant in disease. Therefore, it has been classified as a Variant of Uncertain Significance.

CeGaT Center for Human Genetics Tuebingen
Classification: Uncertain significance. Last evaluated: 2022-07-01. Review status: criteria provided, single submitter. Criteria: CeGaT Center For Human Genetics Tuebingen Variant Classification Criteria Version 2. Collection method: clinical testing. Allele origin: germline. Affected: yes. Observed: 1 variant allele.
Comment: SLC12A2: PP3

NM_001046.3(SLC12A2):c.2663T>G (p.Phe888Cys)

Gene: SLC12A2 (solute carrier family 12 member 2; plus strand). Cytogenetic location: 5q23.3.
Variant type: single nucleotide variant.
Coding change: c.2663T>G on transcript NM_001046.3 (MANE Select); coding-DNA position 2663, T replaced by G.
Protein change: p.Phe888Cys; replaces phenylalanine 888 with cysteine.
Molecular consequence: missense variant. On other transcripts: non-coding transcript variant (1).
Genome position (GRCh38, 1-based): chr5:128,167,807, T>G. VCF-style: chr5-128167807-T-G. GRCh37 (hg19) VCF-style: chr5-127503499-T-G.
Other names: c.2663T>G, p.Phe888Cys (NM_001256461.2); short protein forms F888C.
Identifiers: ClinVar variation 2017544 (VCV002017544.28), dbSNP rs1310606043, ClinGen allele CA360752275.